The following is an entry in ClinVar:

NM_020964.3(EPG5):c.7129G>A (p.Val2377Ile)

Gene: EPG5 (ectopic P-granules 5 autophagy tethering factor; minus strand). Cytogenetic location: 18q12.3.
Variant type: single nucleotide variant.
Coding change: c.7129G>A on transcript NM_020964.3 (MANE Select); coding-DNA position 7129, G replaced by A.
Protein change: p.Val2377Ile; replaces valine 2377 with isoleucine.
Molecular consequence: missense variant.
Genome position (GRCh38, 1-based): chr18:45,858,663, C>T on the plus strand (G>A on the coding strand, the complement: EPG5 is on the minus strand). VCF-style: chr18-45858663-C-T. GRCh37 (hg19) VCF-style: chr18-43438628-C-T.
Other names: short protein forms V2377I.
Identifiers: ClinVar variation 1054391 (VCV001054391.8), dbSNP rs748584845, ClinGen allele CA8948075.

ClinVar aggregate classification (germline): Uncertain significance (1 of 4 stars; one submission).

Conditions:
Vici syndrome (VICIS). Identifiers: Orphanet 1493, MedGen C1855772, MONDO:0009452, OMIM 242840.

Allele frequency attached by ClinVar (database versions not stated): ExAC 0.00001; gnomAD 0.00001; gnomAD exomes below 0.00001 and 0.00001.
gnomAD v4.1: 7 of 1,613,968 alleles (0.00043%); highest among the groups gnomAD compares: South Asian, 0.0044%; no homozygotes.

Submission:

Labcorp Genetics (formerly Invitae), Labcorp
Classification: Uncertain significance for Vici syndrome. Last evaluated: 2022-05-12. Review status: criteria provided, single submitter. Criteria: Invitae Variant Classification Sherloc (09022015). Collection method: clinical testing. Allele origin: germline.
Comment: This sequence change replaces valine, which is neutral and non-polar, with isoleucine, which is neutral and non-polar, at codon 2377 of the EPG5 protein (p.Val2377Ile). This variant is present in population databases (rs748584845, gnomAD 0.003%). This variant has not been reported in the literature in individuals affected with EPG5-related conditions. ClinVar contains an entry for this variant (Variation ID: 1054391). Algorithms developed to predict the effect of missense changes on protein structure and function are either unavailable or do not agree on the potential impact of this missense change (SIFT: "Tolerated"; PolyPhen-2: "Possibly Damaging"; Align-GVGD: "Class C0"). In summary, the available evidence is currently insufficient to determine the role of this variant in disease. Therefore, it has been classified as a Variant of Uncertain Significance.